The following is an entry in ClinVar:

ClinVar aggregate classification (germline): Uncertain significance (1 of 4 stars; one submission).

Conditions:
Inborn genetic diseases. Identifiers: MedGen C0950123, MeSH D030342.

Allele frequency attached by ClinVar (database versions not stated): ExAC 0.00001.
gnomAD v4.1: 10 of 1,607,402 alleles (0.00062%); highest among the groups gnomAD compares: Non-Finnish European, 0.00077%; no homozygotes.

Submission:

Ambry Genetics
Classification: Uncertain significance for Inborn genetic diseases. Last evaluated: 2020-08-28. Review status: criteria provided, single submitter. Criteria: Ambry Variant Classification Scheme 2023. Collection method: clinical testing. Allele origin: germline.
Comment: The p.M61I variant (also known as c.183G>C), located in coding exon 3 of the GNB4 gene, results from a G to C substitution at nucleotide position 183. The methionine at codon 61 is replaced by isoleucine, an amino acid with highly similar properties. This amino acid position is highly conserved in available vertebrate species. In addition, the in silico prediction for this alteration is inconclusive. Since supporting evidence is limited at this time, the clinical significance of this alteration remains unclear.

NM_021629.4(GNB4):c.183G>C (p.Met61Ile)

Gene: GNB4 (G protein subunit beta 4; minus strand). Cytogenetic location: 3q26.33.
Variant type: single nucleotide variant.
Coding change: c.183G>C on transcript NM_021629.4 (MANE Select); coding-DNA position 183, G replaced by C.
Protein change: p.Met61Ile; replaces methionine 61 with isoleucine.
Molecular consequence: missense variant.
Genome position (GRCh38, 1-based): chr3:179,419,419, C>G on the plus strand (G>C on the coding strand, the complement: GNB4 is on the minus strand). VCF-style: chr3-179419419-C-G. GRCh37 (hg19) VCF-style: chr3-179137207-C-G.
Other names: short protein forms M61I.
Identifiers: ClinVar variation 1781136 (VCV001781136.2), dbSNP rs761125515, ClinGen allele CA2712559.
Genomic context (GRCh38, chr3:179,419,419, plus strand): 5'-TGCAACAGTTTAAAAATGACAGGTAATGACAGGTACAAACCTGGAATCGTATCCCCAATG[C>G]ATAGCATAGATTTTAGCTAGGTGGCCCCTCAGTGTACGTCTTGTTCGCATTTGTATTCGA-3'
Protein context (NP_067642.1, residues 51-71): LRGHLAKIYA[Met61Ile]HWGYDSRLLV